The following is an entry in ClinVar:

NM_004855.5(PIGB):c.637T>C (p.Ser213Pro)

Gene: PIGB (phosphatidylinositol glycan anchor biosynthesis class B; plus strand). Cytogenetic location: 15q21.3.
Variant type: single nucleotide variant.
Coding change: c.637T>C on transcript NM_004855.5 (MANE Select); coding-DNA position 637, T replaced by C.
Protein change: p.Ser213Pro; replaces serine 213 with proline.
Molecular consequence: missense variant.
Genome position (GRCh38, 1-based): chr15:55,329,838, T>C. VCF-style: chr15-55329838-T-C. GRCh37 (hg19) VCF-style: chr15-55622036-T-C.
Other names: short protein forms S213P.
Identifiers: ClinVar variation 1913477 (VCV001913477.2), dbSNP rs1339580013, ClinGen allele CA392542263.

ClinVar aggregate classification (germline): Uncertain significance (1 of 4 stars; one submission).

Allele frequency attached by ClinVar (database versions not stated): gnomAD exomes below 0.00001.
gnomAD v4.1: 3 of 1,590,846 alleles (0.00019%); highest among the groups gnomAD compares: Middle Eastern, 0.05%; no homozygotes.

Submission:

Labcorp Genetics (formerly Invitae), Labcorp
Classification: Uncertain significance. Last evaluated: 2022-02-12. Review status: criteria provided, single submitter. Criteria: Invitae Variant Classification Sherloc (09022015). Collection method: clinical testing. Allele origin: germline.
Comment: This sequence change replaces serine, which is neutral and polar, with proline, which is neutral and non-polar, at codon 213 of the PIGB protein (p.Ser213Pro). This variant is present in population databases (no rsID available, gnomAD 0.002%). This variant has not been reported in the literature in individuals affected with PIGB-related conditions. Algorithms developed to predict the effect of missense changes on protein structure and function are either unavailable or do not agree on the potential impact of this missense change (SIFT: "Tolerated"; PolyPhen-2: "Probably Damaging"; Align-GVGD: "Class C0"). In summary, the available evidence is currently insufficient to determine the role of this variant in disease. Therefore, it has been classified as a Variant of Uncertain Significance.